The following is an entry in ClinVar:

NM_000540.3(RYR1):c.7859A>G (p.Gln2620Arg)

Gene: RYR1 (ryanodine receptor 1; plus strand). Cytogenetic location: 19q13.2.
Variant type: single nucleotide variant.
Coding change: c.7859A>G on transcript NM_000540.3 (MANE Select); coding-DNA position 7859, A replaced by G.
Protein change: p.Gln2620Arg; replaces glutamine 2620 with arginine.
Molecular consequence: missense variant.
Genome position (GRCh38, 1-based): chr19:38,502,903, A>G. VCF-style: chr19-38502903-A-G. GRCh37 (hg19) VCF-style: chr19-38993543-A-G.
Other names: c.7859A>G, p.Gln2620Arg (NM_001042723.2); short protein forms Q2620R.
Identifiers: ClinVar variation 4802125 (VCV004802125.1).

ClinVar aggregate classification (germline): Uncertain significance (1 of 4 stars; one submission).

Conditions:
RYR1-related disorder. Also called: RYR1-related condition; RYR1-related disorders. Identifiers: MedGen CN239331.

Submission:

Labcorp Genetics (formerly Invitae), Labcorp
Classification: Uncertain significance for RYR1-related disorder. Last evaluated: 2025-12-21. Review status: criteria provided, single submitter. Criteria: Invitae Variant Classification Sherloc (09022015). Collection method: clinical testing. Allele origin: germline.
Comment: This sequence change replaces glutamine, which is neutral and polar, with arginine, which is basic and polar, at codon 2620 of the RYR1 protein (p.Gln2620Arg). This variant is not present in population databases (gnomAD no frequency). This variant has not been reported in the literature in individuals affected with RYR1-related conditions. Invitae Evidence Modeling of protein sequence and biophysical properties (such as structural, functional, and spatial information, amino acid conservation, physicochemical variation, residue mobility, and thermodynamic stability) indicates that this missense variant is not expected to disrupt RYR1 protein function with a negative predictive value of 80%. In summary, the available evidence is currently insufficient to determine the role of this variant in disease. Therefore, it has been classified as a Variant of Uncertain Significance.